The following is an entry in ClinVar:

NM_002473.6(MYH9):c.591G>A (p.Ser197=)

Gene: MYH9 (myosin heavy chain 9; minus strand). Cytogenetic location: 22q12.3.
Variant type: single nucleotide variant.
Coding change: c.591G>A on transcript NM_002473.6 (MANE Select); coding-DNA position 591, G replaced by A.
Protein change: p.Ser197=; no amino-acid change (serine 197 retained).
Molecular consequence: synonymous variant.
Genome position (GRCh38, 1-based): chr22:36,326,589, C>T on the plus strand (G>A on the coding strand, the complement: MYH9 is on the minus strand). VCF-style: chr22-36326589-C-T. GRCh37 (hg19) VCF-style: chr22-36722634-C-T.
Identifiers: ClinVar variation 164464 (VCV000164464.24), dbSNP rs140241271, ClinGen allele CA177154.

ClinVar aggregate classification (germline): Conflicting classifications of pathogenicity. Review status: criteria provided, conflicting classifications (1 of 4 stars). 7 submissions from 7 submitters: Uncertain significance (1); Benign (1); Likely benign (4). 1 of the submissions does not count toward it. Last evaluated 2026-01-04.

Conditions:
MYH9-related disorder. Identifiers: MedGen C1854520.

Allele frequency attached by ClinVar (database versions not stated): gnomAD exomes 0.00006 and 0.00015; ExAC 0.00020; 1000 Genomes Project 30x 0.00031; 1000 Genomes Project 0.00040; gnomAD 0.00062 and 0.00066; ESP Exome Variant Server 0.00069; TOPMed 0.00072.
gnomAD v4.1: 187 of 1,614,190 alleles (0.012%); highest among the groups gnomAD compares: African/African-American, 0.21%; no homozygotes.

Submissions (7):

Labcorp Genetics (formerly Invitae), Labcorp
Classification: Benign. Last evaluated: 2026-01-04. Review status: criteria provided, single submitter. Criteria: Invitae Variant Classification Sherloc (09022015). Collection method: clinical testing. Allele origin: germline.

Women's Health and Genetics/Laboratory Corporation of America, LabCorp
Classification: Likely benign. Last evaluated: 2025-12-22. Review status: criteria provided, single submitter. Criteria: LabCorp Variant Classification Summary - May 2015. Collection method: clinical testing. Allele origin: germline.

Blueprint Genetics
Classification: Likely benign. Last evaluated: 2024-09-17. Review status: criteria provided, single submitter. Criteria: ACMG Guidelines, 2015. Collection method: clinical testing. Allele origin: germline.

GeneDx
Classification: Likely benign. Last evaluated: 2020-08-31. Review status: criteria provided, single submitter. Criteria: GeneDx Variant Classification Process June 2021. Collection method: clinical testing. Allele origin: germline. Affected: yes.

Laboratory for Molecular Medicine, Mass General Brigham Personalized Medicine
Classification: Likely benign. Last evaluated: 2016-06-21. Review status: criteria provided, single submitter. Criteria: LMM Criteria. Collection method: clinical testing. Allele origin: germline. Observed: 5 variant alleles.
Comment: p.Ser197Ser in exon 05 of MYH9: This variant is not expected to have clinical si gnificance because it does not alter an amino acid residue, is not located withi n the splice consensus sequence, and has been identified in 0.2% (22/10392) of A frican chromosomes by the Exome Aggregation Consortium (ExAC; dbSNP rs140241271).

Eurofins Ntd Llc (ga)
Classification: Uncertain significance. Last evaluated: 2015-07-24. Review status: criteria provided, single submitter. Criteria: EGL Classification Definitions 2015. Collection method: clinical testing. Allele origin: germline. Observed: 1 variant allele, 1 heterozygote.

PreventionGenetics, part of Exact Sciences
Classification: Likely benign for MYH9-related condition. Last evaluated: 2020-12-17. Review status: no assertion criteria provided. Collection method: clinical testing. Allele origin: germline. Not counted in ClinVar's aggregate classification.
Comment: This variant is classified as likely benign based on ACMG/AMP sequence variant interpretation guidelines (Richards et al. 2015 PMID: 25741868, with internal and published modifications).